The following is an entry in ClinVar:

NM_001347886.2(DNAH3):c.1842T>C (p.Asp614=)

Gene: DNAH3 (dynein axonemal heavy chain 3; minus strand). Cytogenetic location: 16p12.3.
Variant type: single nucleotide variant.
Coding change: c.1842T>C on transcript NM_001347886.2 (MANE Select); coding-DNA position 1842, T replaced by C.
Protein change: p.Asp614=; no amino-acid change (aspartic acid 614 retained).
Molecular consequence: synonymous variant.
Genome position (GRCh38, 1-based): chr16:21,111,703, A>G on the plus strand (T>C on the coding strand, the complement: DNAH3 is on the minus strand). VCF-style: chr16-21111703-A-G. GRCh37 (hg19) VCF-style: chr16-21123024-A-G.
Other names: c.2022T>C, p.Asp674= (NM_017539.2).
Identifiers: ClinVar variation 402727 (VCV000402727.5), dbSNP rs144106056, ClinGen allele CA7948572.

ClinVar aggregate classification (germline): Likely benign. Review status: criteria provided, multiple submitters, no conflicts (2 of 4 stars). 2 submissions from 2 submitters: Likely benign (2). Last evaluated 2016-03-29.

Allele frequency attached by ClinVar (database versions not stated): gnomAD exomes 0.00061 and 0.00126; gnomAD 0.00065 and 0.00066; TOPMed 0.00070; ExAC 0.00106; ESP Exome Variant Server 0.00123.
gnomAD v4.1: 1,067 of 1,613,950 alleles (0.066%); highest among the groups gnomAD compares: Middle Eastern, 0.099%; 7 homozygotes.

Submissions (2):

Laboratory for Molecular Medicine, Mass General Brigham Personalized Medicine
Classification: Likely benign. Last evaluated: 2016-03-29. Review status: criteria provided, single submitter. Criteria: LMM Criteria. Collection method: clinical testing. Allele origin: germline.
Comment: Variant identified in a genome or exome case(s) and assessed due to predicted null impact of the variant or pathogenic assertions in the literature or databases. Disclaimer: This variant has not undergone full assessment. The following are preliminary notes: Silent, not in splice consensus

Breakthrough Genomics
Classification: Likely benign. Review status: criteria provided, single submitter. Criteria: ACMG Guidelines, 2015. Collection method: not provided. Allele origin: germline. Inheritance: Unknown mechanism. Affected: yes.